The following is an entry in ClinVar:

NM_006070.6(TFG):c.185-9A>T

Gene: TFG (trafficking from ER to golgi regulator; plus strand). Cytogenetic location: 3q12.2.
Variant type: single nucleotide variant.
Coding change: c.185-9A>T on transcript NM_006070.6 (MANE Select); 9 bases into the intron before coding-DNA position 185, A replaced by T.
Molecular consequence: intron variant.
Genome position (GRCh38, 1-based): chr3:100,719,966, A>T. VCF-style: chr3-100719966-A-T. GRCh37 (hg19) VCF-style: chr3-100438810-A-T.
Other names: c.185-9A>T (NM_001007565.2, NM_001195479.2, NM_001195478.2).
Identifiers: ClinVar variation 706163 (VCV000706163.12), dbSNP rs778438842, ClinGen allele CA2517019.
Genomic context (GRCh38, chr3:100,719,966, plus strand): 5'-GTTTACTGCTTATACAAATCTGAAAATTTAAAAAATTAAAAAACAACCTTTTTTTTTTTT[A>T]AATTCCAGATGGAGATCTTATAACAATTTTTGATAGTTCTGACCTTTCCTTTGCAATTCA-3'

ClinVar aggregate classification (germline): Likely benign. Review status: criteria provided, multiple submitters, no conflicts (2 of 4 stars). 3 submissions from 3 submitters: Likely benign (3). Last evaluated 2025-11-24.

Conditions:
TFG-related disorder. Also called: TFG-related condition; TFG-related disorders.
Hereditary spastic paraplegia 57. Also called: Spastic paraplegia 57, autosomal recessive. Identifiers: Orphanet 431329, MedGen C3714897, MONDO:0014295, OMIM 615658.
Hereditary motor and sensory neuropathy, Okinawa type (HMSNO). Also called: HEREDITARY MOTOR AND SENSORY NEUROPATHY, PROXIMAL TYPE. Identifiers: Orphanet 90117, MedGen C1858338, MONDO:0011468, OMIM 604484.

Allele frequency attached by ClinVar (database versions not stated): ExAC 0.00002; gnomAD exomes 0.00008.

Submissions (3):

Labcorp Genetics (formerly Invitae), Labcorp
Classification: Likely benign for Hereditary motor and sensory neuropathy, Okinawa type; Hereditary spastic paraplegia 57. Last evaluated: 2025-11-24. Review status: criteria provided, single submitter. Criteria: Invitae Variant Classification Sherloc (09022015). Collection method: clinical testing. Allele origin: germline.

Women's Health and Genetics/Laboratory Corporation of America, LabCorp
Classification: Likely benign. Last evaluated: 2025-09-26. Review status: criteria provided, single submitter. Criteria: LabCorp Variant Classification Summary - May 2015. Collection method: clinical testing. Allele origin: germline.
Comment: Variant summary: TFG c.185-9A>T alters a nucleotide located at a position not widely known to affect splicing. Consensus agreement among computation tools predict no significant impact on normal splicing. However, these predictions have yet to be confirmed by functional studies. The variant allele was found at a frequency of 8.1e-05 in 196630 control chromosomes. This frequency is not significantly higher than estimated for disease-causing variants in TFG, allowing no conclusion about variant significance. To our knowledge, no occurrence of c.185-9A>T in individuals affected with TFG-related conditions and no experimental evidence demonstrating its impact on protein function have been reported. ClinVar contains an entry for this variant (Variation ID: 706163). Based on the evidence outlined above, the variant was classified as likely benign.

PreventionGenetics, part of Exact Sciences
Classification: Likely benign for TFG-related condition. Last evaluated: 2025-05-05. Review status: criteria provided, single submitter. Criteria: ACMG Guidelines, 2015. Collection method: clinical testing. Allele origin: germline.
Comment: This variant is classified as likely benign based on ACMG/AMP sequence variant interpretation guidelines (Richards et al. 2015 PMID: 25741868, with internal and published modifications).